The following is an entry in ClinVar:

NM_024598.4(USB1):c.253G>A (p.Val85Ile)

Gene: USB1 (U6 snRNA biogenesis phosphodiesterase 1; plus strand). Cytogenetic location: 16q21.
Variant type: single nucleotide variant.
Coding change: c.253G>A on transcript NM_024598.4 (MANE Select); coding-DNA position 253, G replaced by A.
Protein change: p.Val85Ile; replaces valine 85 with isoleucine.
Molecular consequence: missense variant.
Genome position (GRCh38, 1-based): chr16:58,002,633, G>A. VCF-style: chr16-58002633-G-A. GRCh37 (hg19) VCF-style: chr16-58036537-G-A.
Other names: p.Val85Ile; c.253G>A, p.Val85Ile (NM_001204911.2, NM_001330569.2, NM_001195302.2); c.100G>A, p.Val34Ile (NM_001330568.2); short protein forms V34I, V85I.
Identifiers: ClinVar variation 1028327 (VCV001028327.7), dbSNP rs764580227, ClinGen allele CA8084846.

ClinVar aggregate classification (germline): Uncertain significance. Review status: criteria provided, multiple submitters, no conflicts (2 of 4 stars). 5 submissions from 5 submitters: Uncertain significance (5). Last evaluated 2024-12-04.

Conditions:
Poikiloderma with neutropenia (PN). Identifiers: Orphanet 221046, MedGen C1858723, MONDO:0011405, OMIM 604173.
Inborn genetic diseases. Identifiers: MedGen C0950123, MeSH D030342.

Allele frequency attached by ClinVar (database versions not stated): ExAC 0.00002; gnomAD exomes 0.00002; TOPMed 0.00002.
gnomAD v4.1: 35 of 1,613,706 alleles (0.0022%); highest among the groups gnomAD compares: African/African-American, 0.004%; no homozygotes.

Submissions (5):

Ambry Genetics
Classification: Uncertain significance for Inborn genetic diseases. Last evaluated: 2024-12-04. Review status: criteria provided, single submitter. Criteria: Ambry Variant Classification Scheme 2023. Collection method: clinical testing. Allele origin: germline.
Comment: The p.V85I variant (also known as c.253G>A), located in coding exon 2 of the USB1 gene, results from a G to A substitution at nucleotide position 253. The valine at codon 85 is replaced by isoleucine, an amino acid with highly similar properties. This amino acid position is conserved. In addition, this alteration is predicted to be tolerated by in silico analysis. Based on the available evidence, the clinical significance of this variant remains unclear.

Labcorp Genetics (formerly Invitae), Labcorp
Classification: Uncertain significance. Last evaluated: 2022-09-16. Review status: criteria provided, single submitter. Criteria: Invitae Variant Classification Sherloc (09022015). Collection method: clinical testing. Allele origin: germline.
Comment: This sequence change replaces valine, which is neutral and non-polar, with isoleucine, which is neutral and non-polar, at codon 85 of the USB1 protein (p.Val85Ile). This variant is present in population databases (rs764580227, gnomAD 0.004%). This variant has not been reported in the literature in individuals affected with USB1-related conditions. ClinVar contains an entry for this variant (Variation ID: 1028327). Advanced modeling of protein sequence and biophysical properties (such as structural, functional, and spatial information, amino acid conservation, physicochemical variation, residue mobility, and thermodynamic stability) performed at Invitae indicates that this missense variant is not expected to disrupt USB1 protein function. In summary, the available evidence is currently insufficient to determine the role of this variant in disease. Therefore, it has been classified as a Variant of Uncertain Significance.

Mayo Clinic Laboratories, Mayo Clinic
Classification: Uncertain significance. Last evaluated: 2022-05-11. Review status: criteria provided, single submitter. Criteria: ACMG Guidelines, 2015. Collection method: clinical testing. Allele origin: germline. Observed: 1 variant allele.
Comment: BP4

Baylor Genetics
Classification: Uncertain significance for Poikiloderma with neutropenia. Last evaluated: 2019-12-07. Review status: criteria provided, single submitter. Criteria: ACMG Guidelines, 2015. Collection method: clinical testing. Allele origin: unknown. Affected: yes.
Comment: This variant was determined to be of uncertain significance according to ACMG Guidelines, 2015 [PMID:25741868].

GeneDx
Classification: Uncertain significance. Last evaluated: 2019-09-10. Review status: criteria provided, single submitter. Criteria: GeneDx Variant Classification Process June 2021. Collection method: clinical testing. Allele origin: germline. Affected: yes.
Comment: Not observed at a significant frequency in large population cohorts (Lek et al., 2016); In silico analysis, which includes protein predictors and evolutionary conservation, supports that this variant does not alter protein structure/function; Has not been previously published as pathogenic or benign to our knowledge